The following is an entry in ClinVar:

NM_001164508.2(NEB):c.13413T>A (p.Tyr4471Ter)

Gene: NEB (nebulin; minus strand). Cytogenetic location: 2q23.3.
Variant type: single nucleotide variant.
Coding change: c.13413T>A on transcript NM_001164508.2 (MANE Select); coding-DNA position 13413, T replaced by A.
Protein change: p.Tyr4471Ter; replaces tyrosine 4471 with a stop codon.
Molecular consequence: nonsense. On other transcripts: intron variant (1).
Genome position (GRCh38, 1-based): chr2:151,601,964, A>T on the plus strand (T>A on the coding strand, the complement: NEB is on the minus strand). VCF-style: chr2-151601964-A-T. GRCh37 (hg19) VCF-style: chr2-152458478-A-T.
Other names: c.13413T>A, p.Tyr4471Ter (NM_001164507.2, NM_001271208.2); c.11601+7845T>A (NM_004543.5); short protein forms Y4471*.
Identifiers: ClinVar variation 2795358 (VCV002795358.3), dbSNP rs2153923925, ClinGen allele CA348769408.
Genomic context (GRCh38, chr2:151,601,964, plus strand): 5'-ACTGGCAATATCCCTGGAAGCCTTGGCATGCTGGATCCCAATGGCATCTGCTCGCAGGTC[A>T]TAACCAGTCATCTTGACATCTTCCCAAGCTTGCTGATAGCGTTTCTGCAAACAGAGAGTG-3'

ClinVar aggregate classification (germline): Pathogenic (1 of 4 stars; one submission).

Conditions:
Nemaline myopathy 2 (NEM2). Also called: Nemaline myopathy 2, autosomal recessive. Identifiers: MedGen C1850569, MONDO:0009725, OMIM 256030.

Submission:

Labcorp Genetics (formerly Invitae), Labcorp
Classification: Pathogenic for Nemaline myopathy 2. Last evaluated: 2023-12-19. Review status: criteria provided, single submitter. Criteria: Invitae Variant Classification Sherloc (09022015). Collection method: clinical testing. Allele origin: germline.
Comment: This variant occurs in a region of NEB (Exons 82-105) consisting of three highly homologous 8-exon repeat units (exons 82-89, exons 90-97, exons 98-105). Sequence variants in this region can be detected, but this assay cannot determine which of the three repeat units is affected, and zygosity is often ambiguous. All variants in this region are reported relative to the exon 82-89 repeat. This sequence change creates a premature translational stop signal (p.Tyr4471*) in the NEB gene. It is expected to result in an absent or disrupted protein product. Loss-of-function variants in NEB are known to be pathogenic (PMID: 25205138). The frequency data for this variant in the population databases (gnomAD) is considered unreliable due to the presence of homologous sequence, such as pseudogenes or paralogs, in the genome. This variant has not been reported in the literature in individuals affected with NEB-related conditions. For these reasons, this variant has been classified as Pathogenic.

Literature cited by the submitters: PubMed 25205138.